The following is an entry in ClinVar:

NM_014634.4(PPM1F):c.798C>G (p.Thr266=)

Gene: PPM1F (protein phosphatase, Mg2+/Mn2+ dependent 1F; minus strand). Cytogenetic location: 22q11.22.
Variant type: single nucleotide variant.
Coding change: c.798C>G on transcript NM_014634.4 (MANE Select); coding-DNA position 798, C replaced by G.
Protein change: p.Thr266=; no amino-acid change (threonine 266 retained).
Molecular consequence: synonymous variant.
Genome position (GRCh38, 1-based): chr22:21,931,241, G>C on the plus strand (C>G on the coding strand, the complement: PPM1F is on the minus strand). VCF-style: chr22-21931241-G-C. GRCh37 (hg19) VCF-style: chr22-22285613-G-C.
Other names: c.294C>G, p.Thr98= (NM_001410836.1).
Identifiers: ClinVar variation 4977210 (VCV004977210.1).

ClinVar aggregate classification (germline): Likely benign (1 of 4 stars; one submission).

Conditions:
PPM1F-related condition.

gnomAD v4.1: 16 of 1,613,784 alleles (0.00099%); highest among the groups gnomAD compares: Non-Finnish European, 0.0014%; no homozygotes.

Submission:

PreventionGenetics, part of Exact Sciences
Classification: Likely benign for PPM1F-related condition. Last evaluated: 2026-05-03. Review status: criteria provided, single submitter. Criteria: ACMG Guidelines, 2015. Collection method: clinical testing. Allele origin: germline.
Comment: This variant is classified as likely benign based on ACMG/AMP sequence variant interpretation guidelines (Richards et al. 2015 PMID: 25741868, with internal and published modifications).